The following is an entry in ClinVar:

NM_199355.4(ADAMTS18):c.2218G>A (p.Val740Ile)

Gene: ADAMTS18 (ADAM metallopeptidase with thrombospondin type 1 motif 18; minus strand). Cytogenetic location: 16q23.1.
Variant type: single nucleotide variant.
Coding change: c.2218G>A on transcript NM_199355.4 (MANE Select); coding-DNA position 2218, G replaced by A.
Protein change: p.Val740Ile; replaces valine 740 with isoleucine.
Molecular consequence: missense variant.
Genome position (GRCh38, 1-based): chr16:77,321,148, C>T on the plus strand (G>A on the coding strand, the complement: ADAMTS18 is on the minus strand). VCF-style: chr16-77321148-C-T. GRCh37 (hg19) VCF-style: chr16-77355045-C-T.
Other names: c.1702G>A, p.Val568Ile (NM_001326358.2); c.2218G>A (NM_199355.2); short protein forms V568I, V740I.
Identifiers: ClinVar variation 1015819 (VCV001015819.8), dbSNP rs199599392, ClinGen allele CA8180994.

ClinVar aggregate classification (germline): Uncertain significance. Review status: criteria provided, multiple submitters, no conflicts (2 of 4 stars). 2 submissions from 2 submitters: Uncertain significance (2). Last evaluated 2024-10-16.

Conditions:
Inborn genetic diseases. Identifiers: MedGen C0950123, MeSH D030342.

Allele frequency attached by ClinVar (database versions not stated): 1000 Genomes Project 0.00020; gnomAD exomes 0.00005; ExAC 0.00005; ESP Exome Variant Server 0.00008.
gnomAD v4.1: 94 of 1,614,126 alleles (0.0058%); highest among the groups gnomAD compares: Middle Eastern, 0.033%; no homozygotes.

Submissions (2):

Ambry Genetics
Classification: Uncertain significance for Inborn genetic diseases. Last evaluated: 2024-10-16. Review status: criteria provided, single submitter. Criteria: Ambry Variant Classification Scheme 2023. Collection method: clinical testing. Allele origin: germline.

Labcorp Genetics (formerly Invitae), Labcorp
Classification: Uncertain significance. Last evaluated: 2024-10-08. Review status: criteria provided, single submitter. Criteria: Invitae Variant Classification Sherloc (09022015). Collection method: clinical testing. Allele origin: germline.
Comment: This sequence change replaces valine, which is neutral and non-polar, with isoleucine, which is neutral and non-polar, at codon 740 of the ADAMTS18 protein (p.Val740Ile). This variant is present in population databases (rs199599392, gnomAD 0.01%). This variant has not been reported in the literature in individuals affected with ADAMTS18-related conditions. ClinVar contains an entry for this variant (Variation ID: 1015819). An algorithm developed to predict the effect of missense changes on protein structure and function outputs the following: PolyPhen-2: "Benign". The isoleucine amino acid residue is found in multiple mammalian species, which suggests that this missense change does not adversely affect protein function. In summary, the available evidence is currently insufficient to determine the role of this variant in disease. Therefore, it has been classified as a Variant of Uncertain Significance.